The following is an entry in ClinVar:

NM_007294.4(BRCA1):c.71G>A (p.Cys24Tyr)

Gene: BRCA1 (BRCA1 DNA repair associated; minus strand). Cytogenetic location: 17q21.31.
Variant type: single nucleotide variant.
Coding change: c.71G>A on transcript NM_007294.4 (MANE Select); coding-DNA position 71, G replaced by A.
Protein change: p.Cys24Tyr; replaces cysteine 24 with tyrosine.
Molecular consequence: missense variant. On other transcripts: 5 prime UTR variant (1), non-coding transcript variant (1).
Genome position (GRCh38, 1-based): chr17:43,124,026, C>T on the plus strand (G>A on the coding strand, the complement: BRCA1 is on the minus strand). VCF-style: chr17-43124026-C-T. GRCh37 (hg19) VCF-style: chr17-41276043-C-T.
Other names: NM_007294.4(BRCA1):c.71G>A; p.Cys24Tyr; c.-118G>A (NM_001407571.1, NM_001407853.1, NM_001407879.1 and 46 more transcripts); c.71G>A, p.Cys24Tyr (NM_001407581.1, NM_001407582.1, NM_001407583.1 and 193 more transcripts); c.-187G>A (NM_001407694.1, NM_001407724.1, NM_001407727.1 and 11 more transcripts); c.-191G>A (NM_001407695.1, NM_001408465.1); c.-332G>A (NM_001407696.1); c.-216G>A (NM_001407697.1, NM_001407846.1, NM_001407920.1); and 10 more; short protein forms C24Y.
Identifiers: ClinVar variation 55678 (VCV000055678.26), dbSNP rs80357198, ClinGen allele CA003834.
Genomic context (GRCh38, chr17:43,124,026, plus strand): 5'-TAGGAGATAATCATAGGAATCCCAAATTAATACACTCTTGTGCTGACTTACCAGATGGGA[C>T]ACTCTAAGATTTTCTGCATAGCATTAATGACATTTTGTACTTCTTCAACGCGAAGAGCAG-3'
Protein context (NP_009225.1, residues 14-34): VINAMQKILE[Cys24Tyr]PICLELIKEP

ClinVar aggregate classification (germline): Likely pathogenic. Review status: reviewed by expert panel (3 of 4 stars). 10 submissions from 10 submitters: Likely pathogenic (1). 9 of the submissions do not count toward it. Last evaluated 2026-07-23.

Conditions:
BRCA1-related disorder. Also called: BRCA1-related condition.
Hereditary cancer-predisposing syndrome. Also called: Hereditary Cancer Syndrome; Hereditary neoplastic syndrome; Neoplastic Syndromes, Hereditary; Tumor predisposition. Identifiers: Orphanet 140162, MedGen C0027672, MeSH D009386, MONDO:0015356.
BRCA1-related cancer predisposition. Identifiers: MedGen CN377757, MONDO:0700268.
Breast-ovarian cancer, familial, susceptibility to, 1 (BROVCA1). Also called: BRCA1 Hereditary Breast and Ovarian Cancer; OVARIAN CANCER, SUSCEPTIBILITY TO. Identifiers: Orphanet 145, MedGen C2676676, MONDO:0011450, OMIM 604370. Disease mechanism: loss of function.
Hereditary breast ovarian cancer syndrome. Also called: BRCA1- and BRCA2-Associated Hereditary Breast and Ovarian Cancer; Hereditary breast and ovarian cancer syndrome; Hereditary breast and ovarian cancer syndrome (HBOC); Breast and ovarian cancer; Hereditary breast and/or ovarian cancer syndrome; Hereditary breast and ovarian cancer. Identifiers: Orphanet 145, MedGen C0677776, MeSH D061325, MONDO:0003582. Disease mechanism: loss of function.

Submissions 1 to 6 of 11:

ClinGen ENIGMA BRCA1 and BRCA2 Variant Curation Expert Panel, ClinGen
Classification: Likely pathogenic for BRCA1-related cancer predisposition. Last evaluated: 2026-07-23. Review status: reviewed by expert panel. Criteria: CSpec BRCA1/2ACMG Rules Specifications V1.2. Collection method: curation. Allele origin: germline. Inheritance: Autosomal dominant inheritance.
Comment: The c.71G>A variant in BRCA1 is a missense variant predicted to cause substitution of Cys by Tyr at amino acid 24 (p.Cys24Tyr). This BRCA1 missense variant is within a key functional domain and the computational predictor BayesDel (noAF) gives a score of 0.55, above the recommended threshold of 0.28 for prediction of impact on BRCA1 function via protein change. A SpliceAI score of 0.02 predicts no impact on splicing (score threshold ≤0.1) (PP3 met). This variant is absent from gnomAD v4.1 (read depth ≥25x in >90% samples, PM2_Supporting met). Reported by two calibrated studies to affect protein function similar to pathogenic control variants (PMIDs:30209399, 35659930) (PS3 met). Multifactorial likelihood ratio analysis using clinically calibrated data produced a combined LR for this variant of 1.33 (based on Family History LR=1.33), which is above the ENIGMA BRCA1/2 VCEP threshold for BP5 (>0.48) and below PP4 (<2.08) (BP5 and PP4 not met; PMID: 31853058). In summary, this variant meets the criteria to be classified as a Likely pathogenic variant for BRCA1-related cancer predisposition based on the ACMG/AMP criteria applied as specified by the ENIGMA BRCA1/2 VCEP (PS3, PP3, PM2_Supporting).

St. Jude Molecular Pathology, St. Jude Children's Research Hospital
Classification: Likely pathogenic for Breast-ovarian cancer, familial, susceptibility to, 1. Last evaluated: 2026-02-20. Review status: criteria provided, single submitter. Criteria: St. Jude Assertion Criteria 2020. Collection method: clinical testing. Allele origin: germline. Not counted in ClinVar's aggregate classification.
Comment: The BRCA1 c.71G>A p.(Cys24Tyr) missense change is absent in gnomAD v2.1.1. The in silico tool BayesDel predicts a deleterious effect on protein function and in a functional study this variant exhibited protein function similar to pathogenic con trol variants (PMID:30209399). This variant has been reported in an individual with breast and/or ovarian cancer (PMID: 18489799). In summary, this variant meets criteria to be classified as likely pathogenic.

Ambry Genetics
Classification: Pathogenic for Hereditary cancer-predisposing syndrome. Last evaluated: 2024-12-02. Review status: criteria provided, single submitter. Criteria: Ambry Variant Classification Scheme 2023. Collection method: clinical testing. Allele origin: germline. Not counted in ClinVar's aggregate classification.
Comment: The p.C24Y pathogenic mutation (also known as c.71G>A and 190G>A), located in coding exon 1 of the BRCA1 gene, results from a G to A substitution at nucleotide position 71. The cysteine at codon 24 is replaced by tyrosine, an amino acid with highly dissimilar properties. In one study, this alteration was seen in 1 of 1,010 Czech high risk breast and/or ovarian cancer patients (Machackova, E et al. BMC Cancer. 2008 May 20;8:140). This variant is non-functional in multiple assays including BARD1 binding, E3 Ubiquitin Ligase activity and a haploid cell survival assay (Findlay GM. Nature. 2018 10;562(7726):217-222; Starita LM et al. Genetics, 2015 Jun;200:413-22). This amino acid position is highly conserved in available vertebrate species. In addition, this alteration is predicted to be deleterious by in silico analysis. Internal structural assessment shows that this alteration disrupts one if the Zn-binding sites of the BRCA1 RING domain (Ambry internal data; Brzovic PS et al. Nat. Struct. Biol., 2001 Oct;8:833-7; Meenakumari, B & Rajkumar, T. Journal of the Indian Institute of Science. 2012 92:3). Multiple pathogenic alterations are located at this position highlighting its sensitivity to amino acid substitution (Ambry internal data). This variant is considered to be rare based on population cohorts in the Genome Aggregation Database (gnomAD). Based on the majority of available evidence to date, this alteration is interpreted as a disease-causing mutation.

Women's Health and Genetics/Laboratory Corporation of America, LabCorp
Classification: Likely pathogenic for Hereditary breast ovarian cancer syndrome. Last evaluated: 2024-06-27. Review status: criteria provided, single submitter. Criteria: LabCorp Variant Classification Summary - May 2015. Collection method: clinical testing. Allele origin: germline. Not counted in ClinVar's aggregate classification.
Comment: Variant summary: BRCA1 c.71G>A (p.Cys24Tyr) results in a non-conservative amino acid change located in the zinc finger, RING-type domain (IPR001841) of the encoded protein sequence. Five of five in-silico tools predict a damaging effect of the variant on protein function. The variant was absent in 251050 control chromosomes. c.71G>A has been reported in the literature in individuals undergoing genetic testing for a personal and/or family history of breast and/or ovarian cancer (e.g. Machackova_2008, Nakamura_2013, Kwong_2015, Arai_2018). These reports do not provide unequivocal conclusions about association of the variant with Hereditary Breast And Ovarian Cancer Syndrome. Functional studies evaluating an impact on protein function showed a damaging effect of this variant on E3 ubiquitin ligase activity, it ability to bind to the BARD1 RING domain, and on homology directed repair (HDR) activity (e.g. Starita_2015, Findlay_2018). The following publications have been ascertained in the context of this evaluation (PMID: 29176636, 30209399, 26187060, 18489799, 24249303, 25823446). ClinVar contains an entry for this variant (Variation ID: 55678). Based on the evidence outlined above, the variant was classified as likely pathogenic.

Labcorp Genetics (formerly Invitae), Labcorp
Classification: Pathogenic for Hereditary breast ovarian cancer syndrome. Last evaluated: 2024-05-31. Review status: criteria provided, single submitter. Criteria: Invitae Variant Classification Sherloc (09022015). Collection method: clinical testing. Allele origin: germline. Not counted in ClinVar's aggregate classification.
Comment: This sequence change replaces cysteine, which is neutral and slightly polar, with tyrosine, which is neutral and polar, at codon 24 of the BRCA1 protein (p.Cys24Tyr). This variant is not present in population databases (gnomAD no frequency). This missense change has been observed in individual(s) with breast and/or ovarian cancer (PMID: 18489799, 24249303, 29176636). This variant is also known as 190G>A. ClinVar contains an entry for this variant (Variation ID: 55678). Advanced modeling performed at Invitae incorporating data from internal and/or published experimental studies (PMID: 30209399) indicates that this missense variant is expected to disrupt BRCA1 function with a positive predictive value of 95%. Experimental studies have shown that this missense change affects BRCA1 function (PMID: 25823446, 30209399). This variant disrupts the p.Cys24 amino acid residue in BRCA1. Other variant(s) that disrupt this residue have been determined to be pathogenic (PMID: 21725363, 23161852, 25823446, 30209399). This suggests that this residue is clinically significant, and that variants that disrupt this residue are likely to be disease-causing. For these reasons, this variant has been classified as Pathogenic.

Quest Diagnostics Nichols Institute San Juan Capistrano
Classification: Pathogenic. Last evaluated: 2024-05-14. Review status: criteria provided, single submitter. Criteria: Quest Diagnostics criteria. Collection method: clinical testing. Allele origin: unknown. Not counted in ClinVar's aggregate classification.
Comment: The BRCA1 c.71G>A (p.Cys24Tyr) variant has been reported in the published literature in individuals with breast cancer (PMID: 24249303 (2015)) and breast and/or ovarian cancer (PMID: 18489799 (2008)). This variant has not been reported in large, multi-ethnic general populations (Genome Aggregation Database). The variant is located in a region that is considered important for protein function and/or structure (PMID: 16403807 (2006), PMID: 20103620 (2010)). Experimental studies demonstrated that this variant was damaging to protein function (PMID: 25823446 (2015), PMID: 30209399 (2018)). Analysis of this variant using bioinformatics tools for the prediction of the effect of amino acid changes on protein structure and function yielded predictions that this variant is damaging. Based on the available information, this variant is classified as pathogenic.